The following is an entry in ClinVar:

ClinVar aggregate classification (germline): Uncertain significance (1 of 4 stars; one submission).

Submission:

Labcorp Genetics (formerly Invitae), Labcorp
Classification: Uncertain significance. Last evaluated: 2025-08-24. Review status: criteria provided, single submitter. Criteria: Invitae Variant Classification Sherloc (09022015). Collection method: clinical testing. Allele origin: germline.
Comment: This sequence change replaces methionine, which is neutral and non-polar, with valine, which is neutral and non-polar, at codon 2441 of the FLNB protein (p.Met2441Val). This variant is not present in population databases (gnomAD no frequency). This variant has not been reported in the literature in individuals affected with FLNB-related conditions. Invitae Evidence Modeling of protein sequence and biophysical properties (such as structural, functional, and spatial information, amino acid conservation, physicochemical variation, residue mobility, and thermodynamic stability) indicates that this missense variant is not expected to disrupt FLNB protein function with a negative predictive value of 95%. In summary, the available evidence is currently insufficient to determine the role of this variant in disease. Therefore, it has been classified as a Variant of Uncertain Significance.

NM_001457.4(FLNB):c.7321A>G (p.Met2441Val)

Genes: FLNB (filamin B; plus strand), FLNB-AS1 (FLNB antisense RNA 1; minus strand). Cytogenetic location: 3p14.3.
Variant type: single nucleotide variant.
Coding change: c.7321A>G on transcript NM_001457.4 (MANE Select); coding-DNA position 7321, A replaced by G.
Protein change: p.Met2441Val; replaces methionine 2441 with valine.
Molecular consequence: missense variant.
Genome position (GRCh38, 1-based): chr3:58,168,562, A>G. VCF-style: chr3-58168562-A-G. GRCh37 (hg19) VCF-style: chr3-58154289-A-G.
Other names: c.7414A>G, p.Met2472Val (NM_001164317.2); c.7288A>G, p.Met2430Val (NM_001164318.2); c.7249A>G, p.Met2417Val (NM_001164319.2); short protein forms M2417V, M2430V, M2441V, M2472V.
Identifiers: ClinVar variation 4801732 (VCV004801732.1).